The following is an entry in ClinVar:

ClinVar aggregate classification (germline): Uncertain significance (1 of 4 stars; one submission).

Conditions:
Birt-Hogg-Dube syndrome. Also called: Birt Hogg Dubé syndrome. Identifiers: Orphanet 122, MedGen C0346010, MONDO:0800444.

Submission:

Labcorp Genetics (formerly Invitae), Labcorp
Classification: Uncertain significance for Birt-Hogg-Dube syndrome. Last evaluated: 2023-11-30. Review status: criteria provided, single submitter. Criteria: Invitae Variant Classification Sherloc (09022015). Collection method: clinical testing. Allele origin: germline.
Comment: This sequence change replaces histidine, which is basic and polar, with tyrosine, which is neutral and polar, at codon 9 of the FLCN protein (p.His9Tyr). This variant is not present in population databases (gnomAD no frequency). This variant has not been reported in the literature in individuals affected with FLCN-related conditions. Advanced modeling of protein sequence and biophysical properties (such as structural, functional, and spatial information, amino acid conservation, physicochemical variation, residue mobility, and thermodynamic stability) performed at Invitae indicates that this missense variant is expected to disrupt FLCN protein function with a positive predictive value of 80%. In summary, the available evidence is currently insufficient to determine the role of this variant in disease. Therefore, it has been classified as a Variant of Uncertain Significance.

NM_144997.7(FLCN):c.25C>T (p.His9Tyr)

Gene: FLCN (folliculin; minus strand). Cytogenetic location: 17p11.2.
Variant type: single nucleotide variant.
Coding change: c.25C>T on transcript NM_144997.7 (MANE Select); coding-DNA position 25, C replaced by T.
Protein change: p.His9Tyr; replaces histidine 9 with tyrosine.
Molecular consequence: missense variant.
Genome position (GRCh38, 1-based): chr17:17,228,113, G>A on the plus strand (C>T on the coding strand, the complement: FLCN is on the minus strand). VCF-style: chr17-17228113-G-A. GRCh37 (hg19) VCF-style: chr17-17131427-G-A.
Other names: c.25C>T, p.His9Tyr (NM_001353229.2, NM_001353230.2, NM_001353231.2 and 1 more transcripts); short protein forms H9Y.
Identifiers: ClinVar variation 2716132 (VCV002716132.3), dbSNP rs2544315169, ClinGen allele CA398535483.